The following is an entry in ClinVar:

ClinVar aggregate classification (germline): Uncertain significance (1 of 4 stars; one submission).

Conditions:
Long QT syndrome (LQTS). Identifiers: MedGen C0023976, MeSH D008133, MONDO:0002442. Disease mechanism: loss of function. Inheritance: Various modes of inheritance.

Submission:

Labcorp Genetics (formerly Invitae), Labcorp
Classification: Uncertain significance for Long QT syndrome. Last evaluated: 2022-12-06. Review status: criteria provided, single submitter. Criteria: Invitae Variant Classification Sherloc (09022015). Collection method: clinical testing. Allele origin: germline.
Comment: This missense change has been observed in individual(s) with clinical features of long QT syndrome (PMID: 26669661, 28449774). In summary, the available evidence is currently insufficient to determine the role of this variant in disease. Therefore, it has been classified as a Variant of Uncertain Significance. Algorithms developed to predict the effect of missense changes on protein structure and function are either unavailable or do not agree on the potential impact of this missense change (SIFT: "Deleterious"; PolyPhen-2: "Possibly Damaging"; Align-GVGD: "Class C0"). This variant is not present in population databases (gnomAD no frequency). This sequence change replaces asparagine, which is neutral and polar, with lysine, which is basic and polar, at codon 45 of the KCNH2 protein (p.Asn45Lys).

Literature cited by the submitters: PubMed 26669661; PubMed 28449774.

NM_000238.4(KCNH2):c.135C>G (p.Asn45Lys)

Gene: KCNH2 (potassium voltage-gated channel subfamily H member 2; minus strand). Cytogenetic location: 7q36.1.
Variant type: single nucleotide variant.
Coding change: c.135C>G on transcript NM_000238.4 (MANE Select); coding-DNA position 135, C replaced by G.
Protein change: p.Asn45Lys; replaces asparagine 45 with lysine.
Molecular consequence: missense variant.
Genome position (GRCh38, 1-based): chr7:150,974,883, G>C on the plus strand (C>G on the coding strand, the complement: KCNH2 is on the minus strand). VCF-style: chr7-150974883-G-C. GRCh37 (hg19) VCF-style: chr7-150671971-G-C.
Other names: c.-43C>G (NM_001406755.1); c.135C>G, p.Asn45Lys (NM_172056.3); short protein forms N45K.
Identifiers: ClinVar variation 2136631 (VCV002136631.4), dbSNP rs1422251865, ClinGen allele CA369865838.
Genomic context (GRCh38, chr7:150,974,883, plus strand): 5'-GGTGCAGGGTCGCTGCATCACCTCGGCCCGCGAGTAGCCGCACAGCTCGCAGAAGCCGTC[G>C]TTGCAGTAGATGACGGCGCAGTTCTCCACCCGAGCGTTGGCGATGATGAACTTACGGCCT-3'
Protein context (NP_000229.1, residues 35-55): RVENCAVIYC[Asn45Lys]DGFCELCGYS